The following is an entry in ClinVar:

ClinVar aggregate classification (germline): Likely benign (0 of 4 stars; one submission).

Conditions:
OPA1-related disorder. Also called: OPA1-related disorders; OPA1-related condition.

Submission:

PreventionGenetics, part of Exact Sciences
Classification: Likely benign for OPA1-related condition. Last evaluated: 2024-09-28. Review status: no assertion criteria provided. Collection method: clinical testing. Allele origin: germline.
Comment: This variant is classified as likely benign based on ACMG/AMP sequence variant interpretation guidelines (Richards et al. 2015 PMID: 25741868, with internal and published modifications).

NM_130837.3(OPA1):c.*2T>C

Gene: OPA1 (OPA1 mitochondrial dynamin like GTPase; plus strand). Cytogenetic location: 3q29.
Variant type: single nucleotide variant.
Coding change: c.*2T>C on transcript NM_130837.3 (MANE Select); 2 bases downstream of the stop codon, T replaced by C.
Molecular consequence: 3 prime UTR variant.
Genome position (GRCh38, 1-based): chr3:193,692,129, T>C. VCF-style: chr3-193692129-T-C. GRCh37 (hg19) VCF-style: chr3-193409918-T-C.
Other names: c.*2T>C (NM_001354663.2, NM_001354664.2, NM_015560.3 and 6 more transcripts).
Identifiers: ClinVar variation 3351762 (VCV003351762.1).